The following is an entry in ClinVar:

ClinVar aggregate classification (germline): Pathogenic. Review status: criteria provided, multiple submitters, no conflicts (2 of 4 stars). 10 submissions from 10 submitters: Pathogenic (8). 2 of the submissions do not count toward it. Last evaluated 2026-04-24.

Conditions:
COL7A1-related disorder. Also called: COL7A1-related condition; COL7A1- related disorders.
Generalized dominant dystrophic epidermolysis bullosa (DDEB). Also called: Dominant DEB (DDEB); DDEB, generalized; DDEB-gen; DYSTROPHIC EPIDERMOLYSIS BULLOSA, AUTOSOMAL DOMINANT; Epidermolysis bullosa dystrophica, autosomal dominant. Identifiers: Orphanet 231568, MedGen C0432322, MONDO:0007549, OMIM 131750.
Epidermolysis bullosa pruriginosa. Also called: DEB, PRURIGINOSA; DYSTROPHIC EPIDERMOLYSIS BULLOSA PRURIGINOSA. Identifiers: Orphanet 89843, MedGen C1275114, MONDO:0011398, OMIM 604129.
Nonsyndromic congenital nail disorder 8. Also called: TOENAIL DYSTROPHY, ISOLATED. Identifiers: MedGen C1843761, MONDO:0011852, OMIM 607523.
Dominant dystrophic epidermolysis bullosa with absence of skin. Also called: EPIDERMOLYSIS BULLOSA WITH CONGENITAL LOCALIZED ABSENCE OF SKIN AND DEFORMITY OF NAILS; EPIDERMOLYSIS BULLOSA DYSTROPHICA, BART TYPE. Identifiers: MedGen C0268371, MONDO:0007557, OMIM 132000.
Recessive dystrophic epidermolysis bullosa (RDEB). Also called: Hallopeau-Siemens Disease; DYSTROPHIC EPIDERMOLYSIS BULLOSA, AUTOSOMAL RECESSIVE; EPIDERMOLYSIS BULLOSA DYSTROPHICA, HALLOPEAU-SIEMENS TYPE; EPIDERMOLYSIS BULLOSA DYSTROPHICA, GENERALIZED SEVERE, AUTOSOMAL RECESSIVE; Epidermolysis Bullosa Distrophica Autosomal Recessive (RDEB); severe generalized recessive dystrophic epidermolysis bullosa. Identifiers: Orphanet 79408, Orphanet 79409, MedGen C0079474, MONDO:0009179, OMIM 226600.
Transient bullous dermolysis of the newborn (TBDN). Also called: DYSTROPHIC EPIDERMOLYSIS BULLOSA, NEONATAL; EPIDERMOLYSIS BULLOSA DYSTROPHICA, NEONATAL FORM. Identifiers: Orphanet 79411, MedGen C1851573, MONDO:0007548, OMIM 131705.
Pretibial dystrophic epidermolysis bullosa. Also called: EPIDERMOLYSIS BULLOSA DYSTROPHICA, PRETIBIAL; Pretibial blistering; Pretibial epidermolysis bullosa. Identifiers: Orphanet 79410, MedGen C0432321, MONDO:0007552, OMIM 131850, HP:0012221.
Epidermolysis bullosa dystrophica. Also called: Dystrophic epidermolysis bullosa, Hallopeau-Siemens type (formerly); Dystrophic epidermolysis bullosa. Identifiers: Orphanet 303, MedGen C0079294, MONDO:0006543.

Allele frequency attached by ClinVar (database versions not stated): gnomAD exomes below 0.00001 and 0.00005; ExAC 0.00002; TOPMed 0.00002; gnomAD 0.00003; ESP Exome Variant Server 0.00015.
gnomAD v4.1: 77 of 1,613,910 alleles (0.0048%); highest among the groups gnomAD compares: Non-Finnish European, 0.0064%; no homozygotes.

Submissions (10):

PreventionGenetics, part of Exact Sciences
Classification: Pathogenic for COL7A1-related condition. Last evaluated: 2026-04-24. Review status: criteria provided, single submitter. Criteria: ACMG Guidelines, 2015. Collection method: clinical testing. Allele origin: germline.
Comment: The COL7A1 c.8440C>T variant is predicted to result in premature protein termination (p.Arg2814*). This variant has been reported in the homozygous or compound heterozygous state in several individuals with epidermolysis bullosa (Christiano et al. 1996. PubMed ID: 8900535; Breitenbach et al. 2015. PubMed ID: 26143532; Vahidnezhad et al. 2017. PubMed ID: 28830826; Robertson et al. 2022. PubMed ID: 34826142; Khaddour et al. 2020. PubMed ID: 32884539). This variant is reported in 0.0016% of alleles in individuals of European (non-Finnish) descent in gnomAD. Nonsense variants in COL7A1 are expected to be pathogenic.  This variant is interpreted as pathogenic.

Natera, Inc.
Classification: Pathogenic for Dystrophic epidermolysis bullosa. Last evaluated: 2025-10-22. Review status: criteria provided, single submitter. Criteria: Natera Variant Classification Schema (03/2026). Collection method: clinical testing. Allele origin: germline.
Comment: The c.8440C>T variant in COL7A1 is a nonsense variant predicted to introduce a stop codon at amino acid 2814. This variant is expected to result in nonsense mediated decay, truncation, or a dysfunctional protein product. This variant is rare in the general population with a frequency below the threshold expected for the associated phenotype(s). This variant has been observed in one or more individuals affected with the associated recessive disease, as either homozygous or compound heterozygous with a second variant (PMID: 27899325). Given the available evidence, this variant is classified as Pathogenic.

Labcorp Genetics (formerly Invitae), Labcorp
Classification: Pathogenic. Last evaluated: 2024-08-06. Review status: criteria provided, single submitter. Criteria: Invitae Variant Classification Sherloc (09022015). Collection method: clinical testing. Allele origin: germline.
Comment: This sequence change creates a premature translational stop signal (p.Arg2814*) in the COL7A1 gene. It is expected to result in an absent or disrupted protein product. Loss-of-function variants in COL7A1 are known to be pathogenic (PMID: 16971478). This variant is present in population databases (rs143457874, gnomAD 0.003%). This premature translational stop signal has been observed in individuals with autosomal recessive dystrophic epidermolysis bullosa (PMID: 8900535, 26143532, 28830826). ClinVar contains an entry for this variant (Variation ID: 265082). For these reasons, this variant has been classified as Pathogenic.

Fulgent Genetics
Classification: Pathogenic for Transient bullous dermolysis of the newborn; Generalized dominant dystrophic epidermolysis bullosa; Pretibial dystrophic epidermolysis bullosa; Dominant dystrophic epidermolysis bullosa with absence of skin; Recessive dystrophic epidermolysis bullosa; Epidermolysis bullosa pruriginosa; Nonsyndromic congenital nail disorder 8. Last evaluated: 2024-02-07. Review status: criteria provided, single submitter. Criteria: ACMG Guidelines, 2015. Collection method: clinical testing. Allele origin: germline.

Revvity Omics, Revvity
Classification: Pathogenic. Last evaluated: 2023-12-04. Review status: criteria provided, single submitter. Criteria: ACMG Guidelines, 2015. Collection method: clinical testing. Allele origin: germline.

Blueprint Genetics
Classification: Pathogenic for COL7A1-related disorders. Last evaluated: 2023-10-26. Review status: criteria provided, single submitter. Criteria: ACMG Guidelines, 2015. Collection method: clinical testing. Allele origin: germline. Affected: yes. Observed: 5 variant alleles.

GeneDx
Classification: Pathogenic. Last evaluated: 2021-11-22. Review status: criteria provided, single submitter. Criteria: GeneDx Variant Classification Process June 2021. Collection method: clinical testing. Allele origin: germline. Affected: yes.
Comment: Nonsense variant predicted to result in protein truncation or nonsense mediated decay in a gene for which loss-of-function is a known mechanism of disease (Atanasova et al., 2017); Not observed at a significant frequency in large population cohorts (Lek et al., 2016); This variant is associated with the following publications: (PMID: 14727126, 10233647, 28830826, 8900535, 19665875, 17425959, 16971478, 26143532, 28549954, 29625052, 32884539)

Eurofins Ntd Llc (ga)
Classification: Pathogenic. Last evaluated: 2016-06-22. Review status: criteria provided, single submitter. Criteria: EGL Classification Definitions 2015. Collection method: clinical testing. Allele origin: germline. Observed: 1 variant allele, 1 heterozygote.

Diagnostic Laboratory, Department of Genetics, University Medical Center Groningen
Classification: Pathogenic. Review status: no assertion criteria provided. Collection method: clinical testing. Allele origin: germline. Affected: yes. Study: VKGL Data-share Consensus. Not counted in ClinVar's aggregate classification.

Joint Genome Diagnostic Labs from Nijmegen and Maastricht, Radboudumc and MUMC+
Classification: Pathogenic. Review status: no assertion criteria provided. Collection method: clinical testing. Allele origin: germline. Affected: yes. Study: VKGL Data-share Consensus. Not counted in ClinVar's aggregate classification.

Literature cited by the submitters: PubMed 27899325 (cited by Natera, Inc.); PubMed 16971478 (cited by Labcorp Genetics (formerly Invitae), Labcorp); PubMed 8900535 (cited by Labcorp Genetics (formerly Invitae), Labcorp); PubMed 26143532 (cited by Labcorp Genetics (formerly Invitae), Labcorp); PubMed 28830826 (cited by Labcorp Genetics (formerly Invitae), Labcorp).

NM_000094.4(COL7A1):c.8440C>T (p.Arg2814Ter)

Gene: COL7A1 (collagen type VII alpha 1 chain; minus strand). Cytogenetic location: 3p21.31.
Variant type: single nucleotide variant.
Coding change: c.8440C>T on transcript NM_000094.4 (MANE Select); coding-DNA position 8440, C replaced by T.
Protein change: p.Arg2814Ter; replaces arginine 2814 with a stop codon.
Molecular consequence: nonsense.
Genome position (GRCh38, 1-based): chr3:48,565,636, G>A on the plus strand (C>T on the coding strand, the complement: COL7A1 is on the minus strand). VCF-style: chr3-48565636-G-A. GRCh37 (hg19) VCF-style: chr3-48603069-G-A.
Other names: short protein forms R2814*.
Identifiers: ClinVar variation 265082 (VCV000265082.31), dbSNP rs143457874, ClinGen allele CA2378012.